The following is an entry in ClinVar:

ClinVar aggregate classification (germline): Uncertain significance. Review status: criteria provided, multiple submitters, no conflicts (2 of 4 stars). 8 submissions from 4 submitters: Uncertain significance (8). Last evaluated 2023-09-21.

Conditions:
Leber congenital amaurosis 8 (LCA8). Identifiers: Orphanet 65, MedGen C3151202, MONDO:0013453, OMIM 613835.
Retinitis pigmentosa 12 (RP12). Also called: RP WITH OR WITHOUT PPRPE; RP WITH OR WITHOUT PRESERVED PARAARTERIOLE RETINAL PIGMENT EPITHELIUM; RETINITIS PIGMENTOSA WITH OR WITHOUT PARAARTERIOLAR PRESERVATION OF RETINAL PIGMENT EPITHELIUM. Identifiers: Orphanet 791, MedGen C1838647, MONDO:0010818, OMIM 600105.
Retinitis pigmentosa (RP). Identifiers: Orphanet 791, MedGen C0035334, MeSH D012174, MONDO:0019200, OMIM 268000. Inheritance: Autosomal dominant, autosomal recessive and X linked inheritance.
Pigmented paravenous retinochoroidal atrophy. Identifiers: Orphanet 251295, MedGen C1868310, MONDO:0008246, OMIM 172870.

Allele frequency attached by ClinVar (database versions not stated): ExAC 0.00001; gnomAD 0.00001 and 0.00002; TOPMed 0.00001.
gnomAD v4.1: 22 of 1,613,694 alleles (0.0014%); highest among the groups gnomAD compares: South Asian, 0.0044%; no homozygotes.

Submissions (8):

Blueprint Genetics
Classification: Uncertain significance. Last evaluated: 2023-09-21. Review status: criteria provided, single submitter. Criteria: ACMG Guidelines, 2015. Collection method: clinical testing. Allele origin: germline.

Genome-Nilou Lab
Classification: Uncertain significance for Leber congenital amaurosis 8. Last evaluated: 2023-04-11. Review status: criteria provided, single submitter. Criteria: ACMG Guidelines, 2015. Collection method: clinical testing. Allele origin: germline. Affected: no.

Genome-Nilou Lab
Classification: Uncertain significance for Pigmented paravenous retinochoroidal atrophy. Last evaluated: 2023-04-11. Review status: criteria provided, single submitter. Criteria: ACMG Guidelines, 2015. Collection method: clinical testing. Allele origin: germline. Affected: no.

Genome-Nilou Lab
Classification: Uncertain significance for Retinitis pigmentosa 12. Last evaluated: 2023-04-11. Review status: criteria provided, single submitter. Criteria: ACMG Guidelines, 2015. Collection method: clinical testing. Allele origin: germline. Affected: no.

Labcorp Genetics (formerly Invitae), Labcorp
Classification: Uncertain significance for Leber congenital amaurosis 8; Retinitis pigmentosa 12. Last evaluated: 2022-07-15. Review status: criteria provided, single submitter. Criteria: Invitae Variant Classification Sherloc (09022015). Collection method: clinical testing. Allele origin: germline.
Comment: This sequence change replaces glutamic acid, which is acidic and polar, with lysine, which is basic and polar, at codon 995 of the CRB1 protein (p.Glu995Lys). This variant is not present in population databases (gnomAD no frequency). This variant has not been reported in the literature in individuals affected with CRB1-related conditions. ClinVar contains an entry for this variant (Variation ID: 875448). Advanced modeling of protein sequence and biophysical properties (such as structural, functional, and spatial information, amino acid conservation, physicochemical variation, residue mobility, and thermodynamic stability) performed at Invitae indicates that this missense variant is not expected to disrupt CRB1 protein function. In summary, the available evidence is currently insufficient to determine the role of this variant in disease. Therefore, it has been classified as a Variant of Uncertain Significance.

Illumina Laboratory Services, Illumina
Classification: Uncertain significance for Leber congenital amaurosis 8. Last evaluated: 2017-04-27. Review status: criteria provided, single submitter. Criteria: ICSL Variant Classification Criteria 13 December 2019. Collection method: clinical testing. Allele origin: germline.

Illumina Laboratory Services, Illumina
Classification: Uncertain significance for Pigmented paravenous retinochoroidal atrophy. Last evaluated: 2017-04-27. Review status: criteria provided, single submitter. Criteria: ICSL Variant Classification Criteria 13 December 2019. Collection method: clinical testing. Allele origin: germline.

Illumina Laboratory Services, Illumina
Classification: Uncertain significance for Retinitis pigmentosa. Last evaluated: 2017-04-27. Review status: criteria provided, single submitter. Criteria: ICSL Variant Classification Criteria 13 December 2019. Collection method: clinical testing. Allele origin: germline.

NM_201253.3(CRB1):c.2983G>A (p.Glu995Lys)

Gene: CRB1 (crumbs cell polarity complex component 1; plus strand). Cytogenetic location: 1q31.3.
Variant type: single nucleotide variant.
Coding change: c.2983G>A on transcript NM_201253.3 (MANE Select); coding-DNA position 2983, G replaced by A.
Protein change: p.Glu995Lys; replaces glutamic acid 995 with lysine.
Molecular consequence: missense variant. On other transcripts: non-coding transcript variant (2), intron variant (1).
Genome position (GRCh38, 1-based): chr1:197,434,846, G>A. VCF-style: chr1-197434846-G-A. GRCh37 (hg19) VCF-style: chr1-197403976-G-A.
Other names: c.2647G>A, p.Glu883Lys (NM_001193640.2); c.2911G>A, p.Glu971Lys (NM_001257965.2); c.2129-754G>A (NM_001257966.2); short protein forms E971K, E995K, E883K.
Identifiers: ClinVar variation 875448 (VCV000875448.10), dbSNP rs62635655, ClinGen allele CA1312256.
Genomic context (GRCh38, chr1:197,434,846, plus strand): 5'-AATATCACATTTGGTTTCAGAACAAGGGATGCAAATGTAATAATATTGCATGCAGAAAAA[G>A]AGCCTGAATTTCTTAATATTAGCATTCAAGATTCCAGATTATTCTTTCAATTGCAAAGTG-3'
Protein context (NP_957705.1, residues 985-1005): ANVIILHAEK[Glu995Lys]PEFLNISIQD